The following is an entry in ClinVar:

ClinVar aggregate classification (germline): Conflicting classifications of pathogenicity. Review status: criteria provided, conflicting classifications (1 of 4 stars). 3 submissions from 3 submitters: Uncertain significance (2); Likely benign (1). Last evaluated 2025-03-19.

Conditions:
Paroxysmal nonkinesigenic dyskinesia. Also called: Paroxysmal non-kinesigenic dyskinesia. Identifiers: Orphanet 98810, MedGen C1869117, MONDO:0700088.
Paroxysmal nonkinesigenic dyskinesia 1 (PNKD1). Also called: Nonkinesigenic choreoathetosis; Familial paroxysmal choreoathetosis; DYSTONIA 8; Familial Paroxysmal Nonkinesigenic Dyskinesia; MOUNT-REBACK SYNDROME; PxMD-PNKD. Identifiers: Orphanet 98810, MedGen C4551506, MONDO:0700089, OMIM 118800, MONDO:0007326.

Allele frequency attached by ClinVar (database versions not stated): gnomAD exomes 0.00003; gnomAD 0.00005 and 0.00006; TOPMed 0.00005; ExAC 0.00006.
gnomAD v4.1: 55 of 1,612,662 alleles (0.0034%); highest among the groups gnomAD compares: South Asian, 0.0033%; no homozygotes.

Submissions (3):

Labcorp Genetics (formerly Invitae), Labcorp
Classification: Uncertain significance for Paroxysmal nonkinesigenic dyskinesia. Last evaluated: 2025-03-19. Review status: criteria provided, single submitter. Criteria: Invitae Variant Classification Sherloc (09022015). Collection method: clinical testing. Allele origin: germline.
Comment: This sequence change replaces arginine, which is basic and polar, with glutamine, which is neutral and polar, at codon 262 of the PNKD protein (p.Arg262Gln). This variant is present in population databases (rs759669801, gnomAD 0.03%). This variant has not been reported in the literature in individuals affected with PNKD-related conditions. ClinVar contains an entry for this variant (Variation ID: 334326). Invitae Evidence Modeling of protein sequence and biophysical properties (such as structural, functional, and spatial information, amino acid conservation, physicochemical variation, residue mobility, and thermodynamic stability) indicates that this missense variant is not expected to disrupt PNKD protein function with a negative predictive value of 80%. In summary, the available evidence is currently insufficient to determine the role of this variant in disease. Therefore, it has been classified as a Variant of Uncertain Significance.

GeneDx
Classification: Uncertain significance. Last evaluated: 2019-05-07. Review status: criteria provided, single submitter. Criteria: GeneDx Variant Classification Process June 2021. Collection method: clinical testing. Allele origin: germline. Affected: yes.
Comment: In silico analysis, which includes protein predictors and evolutionary conservation, supports a deleterious effect; Has not been previously published as pathogenic or benign to our knowledge

Illumina Laboratory Services, Illumina
Classification: Likely benign for Paroxysmal nonkinesigenic dyskinesia 1. Last evaluated: 2018-01-13. Review status: criteria provided, single submitter. Criteria: ICSL Variant Classification Criteria 13 December 2019. Collection method: clinical testing. Allele origin: germline.
Comment: This variant was observed in the ICSL laboratory as part of a predisposition screen in an ostensibly healthy population. It had not been previously curated by ICSL or reported in the Human Gene Mutation Database (HGMD: prior to June 1st, 2018), and was therefore a candidate for classification through an automated scoring system. Utilizing variant allele frequency, disease prevalence and penetrance estimates, and inheritance mode, an automated score was calculated to assess if this variant is too frequent to cause the disease. Based on the score and internal cut-off values, a variant classified as likely benign is not then subjected to further curation. The score for this variant resulted in a classification of likely benign for this disease.

NM_015488.5(PNKD):c.785G>A (p.Arg262Gln)

Genes: CATIP-AS2 (CATIP antisense RNA 2; minus strand), PNKD (PNKD metallo-beta-lactamase domain containing; plus strand). Cytogenetic location: 2q35.
Variant type: single nucleotide variant.
Coding change: c.785G>A on transcript NM_015488.5 (MANE Select); coding-DNA position 785, G replaced by A.
Protein change: p.Arg262Gln; replaces arginine 262 with glutamine.
Molecular consequence: missense variant.
Genome position (GRCh38, 1-based): chr2:218,343,503, G>A. VCF-style: chr2-218343503-G-A. GRCh37 (hg19) VCF-style: chr2-219208226-G-A.
Other names: c.713G>A, p.Arg238Gln (NM_022572.5); short protein forms R262Q, R238Q.
Identifiers: ClinVar variation 334326 (VCV000334326.13), dbSNP rs759669801, ClinGen allele CA2104111.